The following is an entry in ClinVar:

NM_001162501.2(TNRC6B):c.4120+1G>C

Gene: TNRC6B (trinucleotide repeat containing adaptor 6B; plus strand). Cytogenetic location: 22q13.1.
Variant type: single nucleotide variant.
Coding change: c.4120+1G>C on transcript NM_001162501.2 (MANE Select); the canonical splice donor site of the intron after coding-DNA position 4120, G replaced by C.
Molecular consequence: splice donor variant.
Genome position (GRCh38, 1-based): chr22:40,301,334, G>C. VCF-style: chr22-40301334-G-C. GRCh37 (hg19) VCF-style: chr22-40697338-G-C.
Other names: c.1708+1G>C (NM_001024843.2); c.3790+1G>C (NM_015088.3).
Identifiers: ClinVar variation 4813574 (VCV004813574.1).
Genomic context (GRCh38, chr22:40,301,334, plus strand): 5'-CATTGAATGTGGGGCTCCCAGACCTTCAAACCAAAGGGCCAATACCTGGATATGGTTCTG[G>C]TAAGTTGTTGGTAGAGAAAATTACCTTTTTAGAAATCTACCTCTCTAGGCCTGTGGTAGG-3'

ClinVar aggregate classification (germline): Pathogenic (1 of 4 stars; one submission).

Conditions:
Global developmental delay with speech and behavioral abnormalities. Identifiers: MedGen C5543226, MONDO:0030995, OMIM 619243.

Submission:

Mendelics
Classification: Pathogenic for Global developmental delay with speech and behavioral abnormalities. Last evaluated: 2026-03-05. Review status: criteria provided, single submitter. Criteria: ACMG Guidelines, 2015. Collection method: clinical testing. Allele origin: unknown.
Comment: Likely pathogenic/Pathogenic according to ACMG criteria.